The following is an entry in ClinVar:

ClinVar aggregate classification (germline): Benign/Likely benign. Review status: criteria provided, multiple submitters, no conflicts (2 of 4 stars). 6 submissions from 6 submitters: Benign (2); Likely benign (4). Last evaluated 2026-08-01.

Conditions:
Alexander disease (ALXDRD). Also called: Alexander's disease. Identifiers: Orphanet 58, MedGen C0270726, MONDO:0008752, OMIM 203450.

Allele frequency attached by ClinVar (database versions not stated): 1000 Genomes Project 0.00080; 1000 Genomes Project 30x 0.00094; gnomAD 0.00226 and 0.00244; TOPMed 0.00252; ESP Exome Variant Server 0.00254.
gnomAD v4.1: 1,995 of 1,614,196 alleles (0.12%); highest among the groups gnomAD compares: African/African-American, 0.52%; 1 homozygote.

Submissions (6):

CeGaT Center for Human Genetics Tuebingen
Classification: Likely benign. Last evaluated: 2026-08-01. Review status: criteria provided, single submitter. Criteria: CeGaT Center For Human Genetics Tuebingen Variant Classification Criteria Version 2. Collection method: clinical testing. Allele origin: germline. Affected: yes. Observed: 10 variant alleles.
Comment: GFAP: BS1

Labcorp Genetics (formerly Invitae), Labcorp
Classification: Benign. Last evaluated: 2026-01-11. Review status: criteria provided, single submitter. Criteria: Invitae Variant Classification Sherloc (09022015). Collection method: clinical testing. Allele origin: germline.

Blueprint Genetics
Classification: Likely benign. Last evaluated: 2024-11-13. Review status: criteria provided, single submitter. Criteria: ACMG Guidelines, 2015. Collection method: clinical testing. Allele origin: germline.

Athena Diagnostics
Classification: Benign. Last evaluated: 2024-10-02. Review status: criteria provided, single submitter. Criteria: Athena Diagnostics Criteria. Collection method: clinical testing. Allele origin: unknown.

Fulgent Genetics
Classification: Likely benign for Alexander disease. Last evaluated: 2022-03-21. Review status: criteria provided, single submitter. Criteria: ACMG Guidelines, 2015. Collection method: clinical testing. Allele origin: unknown.

GeneDx
Classification: Likely benign. Last evaluated: 2017-01-24. Review status: criteria provided, single submitter. Criteria: GeneDx Variant Classification (06012015). Collection method: clinical testing. Allele origin: germline. Affected: yes.
Comment: This variant is considered likely benign or benign based on one or more of the following criteria: it is a conservative change, it occurs at a poorly conserved position in the protein, it is predicted to be benign by multiple in silico algorithms, and/or has population frequency not consistent with disease.

Literature cited by the submitters: PubMed 26478912 (cited by Athena Diagnostics); PubMed 25356899 (cited by Athena Diagnostics); PubMed 29590070 (cited by Athena Diagnostics).

NM_002055.5(GFAP):c.313C>T (p.Arg105Trp)

Gene: GFAP (glial fibrillary acidic protein; minus strand). Cytogenetic location: 17q21.31.
Variant type: single nucleotide variant.
Coding change: c.313C>T on transcript NM_002055.5 (MANE Select); coding-DNA position 313, C replaced by T.
Protein change: p.Arg105Trp; replaces arginine 105 with tryptophan.
Molecular consequence: missense variant.
Genome position (GRCh38, 1-based): chr17:44,915,174, G>A on the plus strand (C>T on the coding strand, the complement: GFAP is on the minus strand). VCF-style: chr17-44915174-G-A. GRCh37 (hg19) VCF-style: chr17-42992542-G-A.
Other names: c.313C>T, p.Arg105Trp (NM_001131019.3, NM_001242376.3, NM_001363846.2); short protein forms R105W.
Identifiers: ClinVar variation 323626 (VCV000323626.38), dbSNP rs139838162, ClinGen allele CA8609066.